The following is an entry in ClinVar:

ClinVar aggregate classification (germline): Likely benign. Review status: criteria provided, multiple submitters, no conflicts (2 of 4 stars). 2 submissions from 2 submitters: Likely benign (2). Last evaluated 2025-08-18.

Allele frequency attached by ClinVar (database versions not stated): ExAC 0.00001; gnomAD exomes 0.00001; ESP Exome Variant Server 0.00015; gnomAD 0.00016; TOPMed 0.00019.
gnomAD v4.1: 49 of 1,614,018 alleles (0.003%); highest among the groups gnomAD compares: African/African-American, 0.059%; no homozygotes.

Submissions (2):

Mayo Clinic Laboratories, Mayo Clinic
Classification: Likely benign. Last evaluated: 2025-08-18. Review status: criteria provided, single submitter. Criteria: ACMG Guidelines, 2015. Collection method: clinical testing. Allele origin: germline. Observed: 2 variant alleles.
Comment: BP4, BP7

Labcorp Genetics (formerly Invitae), Labcorp
Classification: Likely benign. Last evaluated: 2025-07-28. Review status: criteria provided, single submitter. Criteria: Invitae Variant Classification Sherloc (09022015). Collection method: clinical testing. Allele origin: germline.

NM_016006.6(ABHD5):c.87T>C (p.Pro29=)

Gene: ABHD5 (abhydrolase domain containing 5, lysophosphatidic acid acyltransferase; plus strand). Cytogenetic location: 3p21.33.
Variant type: single nucleotide variant.
Coding change: c.87T>C on transcript NM_016006.6 (MANE Select); coding-DNA position 87, T replaced by C.
Protein change: p.Pro29=; no amino-acid change (proline 29 retained).
Molecular consequence: synonymous variant. On other transcripts: 5 prime UTR variant (1), non-coding transcript variant (1).
Genome position (GRCh38, 1-based): chr3:43,699,315, T>C. VCF-style: chr3-43699315-T-C. GRCh37 (hg19) VCF-style: chr3-43740807-T-C.
Other names: p.Pro29=; c.87T>C, p.Pro29= (NM_001355186.2, NM_001365650.1); c.-37T>C (NM_001365649.1).
Identifiers: ClinVar variation 2153956 (VCV002153956.5), dbSNP rs138443653, ClinGen allele CA2341265.